The following is an entry in ClinVar:

ClinVar aggregate classification (germline): Conflicting classifications of pathogenicity. Review status: criteria provided, conflicting classifications (1 of 4 stars). 5 submissions from 5 submitters: Uncertain significance (2); Likely benign (2). 1 of the submissions does not count toward it. Last evaluated 2026-01-26.

Conditions:
GALNS-related disorder. Also called: GALNS-related condition.
Mucopolysaccharidosis, MPS-IV-A (MPS4A). Also called: Mucopolysaccharidosis type IV A; Mucopolysaccharidosis Type IVA; Morquio syndrome A, mild; MORQUIO SYNDROME A; MPS IVA; mucopolysaccharidosis type 4A. Identifiers: Orphanet 309297, Orphanet 582, MedGen C0086651, MONDO:0009659, OMIM 253000.

Allele frequency attached by ClinVar (database versions not stated): ExAC 0.00017; gnomAD exomes 0.00021 and 0.00006; 1000 Genomes Project 0.00040; 1000 Genomes Project 30x 0.00047; gnomAD 0.00053 and 0.00058; ESP Exome Variant Server 0.00062; TOPMed 0.00071.
gnomAD v4.1: 174 of 1,612,654 alleles (0.011%); highest among the groups gnomAD compares: African/African-American, 0.18%; 1 homozygote.

Submissions (5):

Labcorp Genetics (formerly Invitae), Labcorp
Classification: Likely benign for Mucopolysaccharidosis, MPS-IV-A. Last evaluated: 2026-01-26. Review status: criteria provided, single submitter. Criteria: Invitae Variant Classification Sherloc (09022015). Collection method: clinical testing. Allele origin: germline.

Mayo Clinic Laboratories, Mayo Clinic
Classification: Likely benign. Last evaluated: 2025-06-09. Review status: criteria provided, single submitter. Criteria: ACMG Guidelines, 2015. Collection method: clinical testing. Allele origin: germline. Observed: 2 variant alleles.
Comment: BP4, BP7

Women's Health and Genetics/Laboratory Corporation of America, LabCorp
Classification: Uncertain significance. Last evaluated: 2023-02-11. Review status: criteria provided, single submitter. Criteria: LabCorp Variant Classification Summary - May 2015. Collection method: clinical testing. Allele origin: germline.

Illumina Laboratory Services, Illumina
Classification: Uncertain significance for Mucopolysaccharidosis, MPS-IV-A. Last evaluated: 2018-01-12. Review status: criteria provided, single submitter. Criteria: ICSL Variant Classification Criteria 13 December 2019. Collection method: clinical testing. Allele origin: germline.

PreventionGenetics, part of Exact Sciences
Classification: Likely benign for GALNS-related condition. Last evaluated: 2024-03-14. Review status: no assertion criteria provided. Collection method: clinical testing. Allele origin: germline. Not counted in ClinVar's aggregate classification.
Comment: This variant is classified as likely benign based on ACMG/AMP sequence variant interpretation guidelines (Richards et al. 2015 PMID: 25741868, with internal and published modifications).

NM_000512.5(GALNS):c.1242+3A>G

Gene: GALNS (galactosamine (N-acetyl)-6-sulfatase; minus strand). Cytogenetic location: 16q24.3.
Variant type: single nucleotide variant.
Coding change: c.1242+3A>G on transcript NM_000512.5 (MANE Select); 3 bases into the intron after coding-DNA position 1242, A replaced by G.
Molecular consequence: intron variant.
Genome position (GRCh38, 1-based): chr16:88,824,764, T>C on the plus strand (A>G on the coding strand, the complement: GALNS is on the minus strand). VCF-style: chr16-88824764-T-C. GRCh37 (hg19) VCF-style: chr16-88891172-T-C.
Other names: p.?; c.687+3A>G (NM_001323543.2); c.1260+3A>G (NM_001323544.2).
Identifiers: ClinVar variation 321193 (VCV000321193.13), dbSNP rs377067312, ClinGen allele CA8234771.